The following is an entry in ClinVar:

NM_005477.3(HCN4):c.2647C>T (p.Pro883Ser)

Gene: HCN4 (hyperpolarization activated cyclic nucleotide gated potassium channel 4; minus strand). Cytogenetic location: 15q24.1.
Variant type: single nucleotide variant.
Coding change: c.2647C>T on transcript NM_005477.3 (MANE Select); coding-DNA position 2647, C replaced by T.
Protein change: p.Pro883Ser; replaces proline 883 with serine.
Molecular consequence: missense variant.
Genome position (GRCh38, 1-based): chr15:73,323,446, G>A on the plus strand (C>T on the coding strand, the complement: HCN4 is on the minus strand). VCF-style: chr15-73323446-G-A. GRCh37 (hg19) VCF-style: chr15-73615787-G-A.
Other names: short protein forms P883S.
Identifiers: ClinVar variation 1021792 (VCV001021792.8), dbSNP rs780235330, ClinGen allele CA7648982.

ClinVar aggregate classification (germline): Uncertain significance (1 of 4 stars; one submission).

Conditions:
Brugada syndrome 8 (BRGDA8). Identifiers: Orphanet 130, MedGen C2751083, MONDO:0013148, OMIM 613123.

Allele frequency attached by ClinVar (database versions not stated): ExAC 0.00001.
gnomAD v4.1: 7 of 1,609,130 alleles (0.00044%); highest among the groups gnomAD compares: African/African-American, 0.0013%; no homozygotes.

Submission:

Labcorp Genetics (formerly Invitae), Labcorp
Classification: Uncertain significance for Brugada syndrome 8. Last evaluated: 2025-06-01. Review status: criteria provided, single submitter. Criteria: Invitae Variant Classification Sherloc (09022015). Collection method: clinical testing. Allele origin: germline.
Comment: This sequence change replaces proline, which is neutral and non-polar, with serine, which is neutral and polar, at codon 883 of the HCN4 protein (p.Pro883Ser). This variant is present in population databases (rs780235330, gnomAD 0.007%). This variant has not been reported in the literature in individuals affected with HCN4-related conditions. ClinVar contains an entry for this variant (Variation ID: 1021792). Invitae Evidence Modeling of protein sequence and biophysical properties (such as structural, functional, and spatial information, amino acid conservation, physicochemical variation, residue mobility, and thermodynamic stability) indicates that this missense variant is not expected to disrupt HCN4 protein function with a negative predictive value of 95%. In summary, the available evidence is currently insufficient to determine the role of this variant in disease. Therefore, it has been classified as a Variant of Uncertain Significance.